The following is an entry in ClinVar:

NM_002778.4(PSAP):c.586G>A (p.Asp196Asn)

Gene: PSAP (prosaposin; minus strand). Cytogenetic location: 10q22.1.
Variant type: single nucleotide variant.
Coding change: c.586G>A on transcript NM_002778.4 (MANE Select); coding-DNA position 586, G replaced by A.
Protein change: p.Asp196Asn; replaces aspartic acid 196 with asparagine.
Molecular consequence: missense variant.
Genome position (GRCh38, 1-based): chr10:71,828,148, C>T on the plus strand (G>A on the coding strand, the complement: PSAP is on the minus strand). VCF-style: chr10-71828148-C-T. GRCh37 (hg19) VCF-style: chr10-73587905-C-T.
Other names: c.586G>A, p.Asp196Asn (NM_001042465.3, NM_001042466.3); c.586G>A (NM_002778.2); short protein forms D196N.
Identifiers: ClinVar variation 2141804 (VCV002141804.2), dbSNP rs374083914, ClinGen allele CA209465781.

ClinVar aggregate classification (germline): Uncertain significance. Review status: criteria provided, multiple submitters, no conflicts (2 of 4 stars). 2 submissions from 2 submitters: Uncertain significance (2). Last evaluated 2025-08-31.

Conditions:
Sphingolipid activator protein 1 deficiency. Also called: METACHROMATIC LEUKODYSTROPHY DUE TO CEREBROSIDE SULFATASE ACTIVATOR DEFICIENCY; Saposin B Deficiency; Metachromatic leukodystrophy due to saposin B deficiency. Identifiers: Orphanet 512, MedGen C0268262, MONDO:0009590, OMIM 249900.
Inborn genetic diseases. Identifiers: MedGen C0950123, MeSH D030342.

Allele frequency attached by ClinVar (database versions not stated): TOPMed 0.00002.
gnomAD v4.1: 8 of 1,614,162 alleles (0.0005%); no homozygotes.

Submissions (2):

Ambry Genetics
Classification: Uncertain significance for Inborn genetic diseases. Last evaluated: 2025-08-31. Review status: criteria provided, single submitter. Criteria: Ambry Variant Classification Scheme 2023. Collection method: clinical testing. Allele origin: germline.

Labcorp Genetics (formerly Invitae), Labcorp
Classification: Uncertain significance for Sphingolipid activator protein 1 deficiency. Last evaluated: 2022-06-29. Review status: criteria provided, single submitter. Criteria: Invitae Variant Classification Sherloc (09022015). Collection method: clinical testing. Allele origin: germline.
Comment: This sequence change replaces aspartic acid, which is acidic and polar, with asparagine, which is neutral and polar, at codon 196 of the PSAP protein (p.Asp196Asn). This variant is present in population databases (rs374083914, gnomAD 0.003%). This variant has not been reported in the literature in individuals affected with PSAP-related conditions. Algorithms developed to predict the effect of missense changes on protein structure and function output the following: SIFT: "Not Available"; PolyPhen-2: "Benign"; Align-GVGD: "Not Available". The asparagine amino acid residue is found in multiple mammalian species, which suggests that this missense change does not adversely affect protein function. In summary, the available evidence is currently insufficient to determine the role of this variant in disease. Therefore, it has been classified as a Variant of Uncertain Significance.